The following is an entry in ClinVar:

NM_022114.4(PRDM16):c.418C>G (p.Gln140Glu)

Gene: PRDM16 (PR/SET domain 16; plus strand). Cytogenetic location: 1p36.32.
Variant type: single nucleotide variant.
Coding change: c.418C>G on transcript NM_022114.4 (MANE Select); coding-DNA position 418, C replaced by G.
Protein change: p.Gln140Glu; replaces glutamine 140 with glutamic acid.
Molecular consequence: missense variant.
Genome position (GRCh38, 1-based): chr1:3,244,117, C>G. VCF-style: chr1-3244117-C-G. GRCh37 (hg19) VCF-style: chr1-3160681-C-G.
Other names: c.418C>G, p.Gln140Glu (NM_199454.3); short protein forms Q140E.
Identifiers: ClinVar variation 5037000 (VCV005037000.1).

ClinVar aggregate classification (germline): Uncertain significance (1 of 4 stars; one submission).

Submission:

GeneDx
Classification: Uncertain significance. Last evaluated: 2026-04-11. Review status: criteria provided, single submitter. Criteria: GeneDx Variant Classification Process June 2021. Collection method: clinical testing. Allele origin: germline.
Comment: Not observed at significant frequency in large population cohorts (gnomAD); In silico analysis suggests that this missense variant does not alter protein structure/function; Has not been previously published as pathogenic or benign to our knowledge